The following is an entry in ClinVar:

NM_032447.5(FBN3):c.3449G>T (p.Arg1150Leu)

Gene: FBN3 (fibrillin 3; minus strand). Cytogenetic location: 19p13.2.
Variant type: single nucleotide variant.
Coding change: c.3449G>T on transcript NM_032447.5 (MANE Select); coding-DNA position 3449, G replaced by T.
Protein change: p.Arg1150Leu; replaces arginine 1150 with leucine.
Molecular consequence: missense variant.
Genome position (GRCh38, 1-based): chr19:8,117,478, C>A on the plus strand (G>T on the coding strand, the complement: FBN3 is on the minus strand). VCF-style: chr19-8117478-C-A. GRCh37 (hg19) VCF-style: chr19-8182362-C-A.
Other names: c.3449G>T, p.Arg1150Leu (NM_001321431.2); short protein forms R1150L.
Identifiers: ClinVar variation 2703743 (VCV002703743.3), dbSNP rs201138085, ClinGen allele CA403686041.

ClinVar aggregate classification (germline): Uncertain significance (1 of 4 stars; one submission).

gnomAD v4.1: 2 of 1,560,780 alleles (0.00013%); highest among the groups gnomAD compares: Non-Finnish European, 0.00017%; no homozygotes.

Submission:

Labcorp Genetics (formerly Invitae), Labcorp
Classification: Uncertain significance. Last evaluated: 2024-11-11. Review status: criteria provided, single submitter. Criteria: Invitae Variant Classification Sherloc (09022015). Collection method: clinical testing. Allele origin: germline.
Comment: This sequence change replaces arginine, which is basic and polar, with leucine, which is neutral and non-polar, at codon 1150 of the FBN3 protein (p.Arg1150Leu). This variant is not present in population databases (gnomAD no frequency). This variant has not been reported in the literature in individuals affected with FBN3-related conditions. ClinVar contains an entry for this variant (Variation ID: 2703743). Invitae Evidence Modeling of protein sequence and biophysical properties (such as structural, functional, and spatial information, amino acid conservation, physicochemical variation, residue mobility, and thermodynamic stability) indicates that this missense variant is not expected to disrupt FBN3 protein function with a negative predictive value of 80%. In summary, the available evidence is currently insufficient to determine the role of this variant in disease. Therefore, it has been classified as a Variant of Uncertain Significance.